The following is an entry in ClinVar:

NM_000052.7(ATP7A):c.722A>G (p.Gln241Arg)

Gene: ATP7A (ATPase copper transporting alpha; plus strand). Cytogenetic location: Xq21.1.
Variant type: single nucleotide variant.
Coding change: c.722A>G on transcript NM_000052.7 (MANE Select); coding-DNA position 722, A replaced by G.
Protein change: p.Gln241Arg; replaces glutamine 241 with arginine.
Molecular consequence: missense variant.
Genome position (GRCh38, 1-based): chrX:77,989,344, A>G. VCF-style: chrX-77989344-A-G. GRCh37 (hg19) VCF-style: chrX-77244840-A-G.
Other names: c.722A>G (NM_000052.4); c.722A>G, p.Gln241Arg (NM_001282224.2); short protein forms Q241R.
Identifiers: ClinVar variation 1031359 (VCV001031359.3), dbSNP rs2077656389, ClinGen allele CA413600675.

ClinVar aggregate classification (germline): Uncertain significance. Review status: criteria provided, multiple submitters, no conflicts (2 of 4 stars). 3 submissions from 3 submitters: Uncertain significance (3). Last evaluated 2025-09-03.

Conditions:
X-linked distal spinal muscular atrophy type 3. Also called: SPINAL MUSCULAR ATROPHY, DISTAL, X-LINKED RECESSIVE; ATP7A-Related Distal Motor Neuropathy; NEURONOPATHY, DISTAL HEREDITARY MOTOR, X-LINKED; NEUROPATHY, DISTAL HEREDITARY MOTOR, X-LINKED. Identifiers: Orphanet 139557, MedGen C1845359, MONDO:0010338, OMIM 300489.
Menkes kinky-hair syndrome (MNK). Also called: Copper transport disease; Classic Menkes Disease; Menkes Disease. Identifiers: Orphanet 565, MedGen C0022716, MONDO:0010651, OMIM 309400.
Cutis laxa, X-linked (OHS). Also called: EDS IX; Occipital horn syndrome. Identifiers: Orphanet 198, MedGen C0268353, MONDO:0010572, OMIM 304150.

Submissions (3):

Labcorp Genetics (formerly Invitae), Labcorp
Classification: Uncertain significance for X-linked distal spinal muscular atrophy type 3; Cutis laxa, X-linked; Menkes kinky-hair syndrome. Last evaluated: 2025-09-03. Review status: criteria provided, single submitter. Criteria: Invitae Variant Classification Sherloc (09022015). Collection method: clinical testing. Allele origin: germline.
Comment: This sequence change replaces glutamine, which is neutral and polar, with arginine, which is basic and polar, at codon 241 of the ATP7A protein (p.Gln241Arg). This variant is not present in population databases (gnomAD no frequency). This variant has not been reported in the literature in individuals affected with ATP7A-related conditions. ClinVar contains an entry for this variant (Variation ID: 1031359). Invitae Evidence Modeling of protein sequence and biophysical properties (such as structural, functional, and spatial information, amino acid conservation, physicochemical variation, residue mobility, and thermodynamic stability) indicates that this missense variant is not expected to disrupt ATP7A protein function with a negative predictive value of 95%. In summary, the available evidence is currently insufficient to determine the role of this variant in disease. Therefore, it has been classified as a Variant of Uncertain Significance.

GeneDx
Classification: Uncertain significance. Last evaluated: 2025-07-14. Review status: criteria provided, single submitter. Criteria: GeneDx Variant Classification Process June 2021. Collection method: clinical testing. Allele origin: germline. Affected: yes.
Comment: Not observed at significant frequency in large population cohorts (gnomAD); In silico analysis suggests that this missense variant does not alter protein structure/function; Has not been previously published as pathogenic or benign to our knowledge

Baylor Genetics
Classification: Uncertain significance for X-linked distal spinal muscular atrophy type 3. Last evaluated: 2018-05-03. Review status: criteria provided, single submitter. Criteria: ACMG Guidelines, 2015. Collection method: clinical testing. Allele origin: maternal. Affected: yes.
Comment: This variant was determined to be of uncertain significance according to ACMG Guidelines, 2015 [PMID:25741868].